The following is an entry in ClinVar:

ClinVar aggregate classification (germline): Uncertain significance (1 of 4 stars; one submission).

Submission:

Labcorp Genetics (formerly Invitae), Labcorp
Classification: Uncertain significance. Last evaluated: 2023-05-23. Review status: criteria provided, single submitter. Criteria: Invitae Variant Classification Sherloc (09022015). Collection method: clinical testing. Allele origin: unknown.
Comment: This variant results in a copy number gain of the genomic region encompassing exon(s) 1-2 of the CDK13 gene. This region includes the initiator codon of the gene. This copy number gain extends beyond the assayed region for this gene and therefore may encompass additional genes. As the precise location of this event is unknown, it may be in tandem or it may be located elsewhere in the genome. This variant has not been reported in the literature in individuals affected with CDK13-related conditions. Experimental studies and prediction algorithms are not available or were not evaluated, and the functional significance of this variant is currently unknown. In summary, the available evidence is currently insufficient to determine the role of this variant in disease. Therefore, it has been classified as a Variant of Uncertain Significance.

NC_000007.13:g.(?_39990241)_(40027877_?)dup

Gene: CDK13 (cyclin dependent kinase 13; plus strand). Cytogenetic location: 7p14.1.
Variant type: Duplication.
Identifiers: ClinVar variation 3245880 (VCV003245880.1).